The following is an entry in ClinVar:

ClinVar aggregate classification (germline): Uncertain significance (1 of 4 stars; one submission).

Conditions:
Perlman syndrome (PRLMNS). Identifiers: Orphanet 2849, MedGen C0796113, MONDO:0009965, OMIM 267000.

Allele frequency attached by ClinVar (database versions not stated): gnomAD exomes below 0.00001; ExAC 0.00001.

Submission:

Labcorp Genetics (formerly Invitae), Labcorp
Classification: Uncertain significance for Perlman syndrome. Last evaluated: 2022-10-05. Review status: criteria provided, single submitter. Criteria: Invitae Variant Classification Sherloc (09022015). Collection method: clinical testing. Allele origin: germline.
Comment: In summary, the available evidence is currently insufficient to determine the role of this variant in disease. Therefore, it has been classified as a Variant of Uncertain Significance. Advanced modeling of protein sequence and biophysical properties (such as structural, functional, and spatial information, amino acid conservation, physicochemical variation, residue mobility, and thermodynamic stability) performed at Invitae indicates that this missense variant is not expected to disrupt DIS3L2 protein function. ClinVar contains an entry for this variant (Variation ID: 1005586). This variant has not been reported in the literature in individuals affected with DIS3L2-related conditions. This variant is present in population databases (rs757885951, gnomAD 0.0009%). This sequence change replaces phenylalanine, which is neutral and non-polar, with cysteine, which is neutral and slightly polar, at codon 648 of the DIS3L2 protein (p.Phe648Cys).

NM_152383.5(DIS3L2):c.1943T>G (p.Phe648Cys)

Gene: DIS3L2 (DIS3 like 3'-5' exoribonuclease 2; plus strand). Cytogenetic location: 2q37.1.
Variant type: single nucleotide variant.
Coding change: c.1943T>G on transcript NM_152383.5 (MANE Select); coding-DNA position 1943, T replaced by G.
Protein change: p.Phe648Cys; replaces phenylalanine 648 with cysteine.
Molecular consequence: missense variant. On other transcripts: non-coding transcript variant (2), intron variant (1).
Genome position (GRCh38, 1-based): chr2:232,330,709, T>G. VCF-style: chr2-232330709-T-G. GRCh37 (hg19) VCF-style: chr2-233195419-T-G.
Other names: c.1582-12636T>G (NM_001257281.2); short protein forms F648C.
Identifiers: ClinVar variation 1005586 (VCV001005586.10), dbSNP rs757885951, ClinGen allele CA2164335.